The following is an entry in ClinVar:

ClinVar aggregate classification (germline): Uncertain significance (1 of 4 stars; one submission).

Conditions:
Cystic fibrosis (CF). Also called: MUCOVISCIDOSIS. Identifiers: Orphanet 586, MedGen C0010674, MONDO:0009061, OMIM 219700. Disease mechanism: loss of function.

gnomAD v4.1: 1 of 1,614,044 alleles (0.000062%); highest among the groups gnomAD compares: Non-Finnish European, 0.000085%; no homozygotes.

Submission:

Labcorp Genetics (formerly Invitae), Labcorp
Classification: Uncertain significance for Cystic fibrosis. Last evaluated: 2026-01-10. Review status: criteria provided, single submitter. Criteria: Invitae Variant Classification Sherloc (09022015). Collection method: clinical testing. Allele origin: germline.
Comment: This sequence change replaces arginine, which is basic and polar, with serine, which is neutral and polar, at codon 1358 of the CFTR protein (p.Arg1358Ser). This variant is not present in population databases (gnomAD no frequency). This variant has not been reported in the literature in individuals affected with CFTR-related conditions. Invitae Evidence Modeling of protein sequence and biophysical properties (such as structural, functional, and spatial information, amino acid conservation, physicochemical variation, residue mobility, and thermodynamic stability) indicates that this missense variant is expected to disrupt CFTR protein function with a positive predictive value of 80%. In summary, the available evidence is currently insufficient to determine the role of this variant in disease. Therefore, it has been classified as a Variant of Uncertain Significance.

NM_000492.4(CFTR):c.4074A>T (p.Arg1358Ser)

Gene: CFTR (CF transmembrane conductance regulator; plus strand). Cytogenetic location: 7q31.2.
Variant type: single nucleotide variant.
Coding change: c.4074A>T on transcript NM_000492.4 (MANE Select); coding-DNA position 4074, A replaced by T.
Protein change: p.Arg1358Ser; replaces arginine 1358 with serine.
Molecular consequence: missense variant.
Genome position (GRCh38, 1-based): chr7:117,664,798, A>T. VCF-style: chr7-117664798-A-T. GRCh37 (hg19) VCF-style: chr7-117304852-A-T.
Other names: short protein forms R1358S.
Identifiers: ClinVar variation 4709531 (VCV004709531.1).
Genomic context (GRCh38, chr7:117,664,798, plus strand): 5'-CCTTGTGGATGGGGGCTGTGTCCTAAGCCATGGCCACAAGCAGTTGATGTGCTTGGCTAG[A>T]TCTGTTCTCAGTAAGGCGAAGATCTTGCTGCTTGATGAACCCAGTGCTCATTTGGATCCA-3'
Protein context (NP_000483.3, residues 1348-1368): HGHKQLMCLA[Arg1358Ser]SVLSKAKILL